The following is an entry in ClinVar:

ClinVar aggregate classification (germline): Uncertain significance. Review status: criteria provided, single submitter (1 of 4 stars). 2 submissions from 2 submitters: Uncertain significance (1). 1 of the submissions does not count toward it. Last evaluated 2025-08-21.

Allele frequency attached by ClinVar (database versions not stated): gnomAD exomes 0.00003 and 0.00011; ExAC 0.00018; ESP Exome Variant Server 0.00046; 1000 Genomes Project 0.00160; 1000 Genomes Project 30x 0.00219.
gnomAD v4.1: 99 of 1,612,312 alleles (0.0061%); highest among the groups gnomAD compares: African/African-American, 0.096%; no homozygotes.

Submissions (2):

Ambry Genetics
Classification: Uncertain significance. Last evaluated: 2025-08-21. Review status: criteria provided, single submitter. Criteria: Ambry Variant Classification Scheme 2023. Collection method: clinical testing. Allele origin: germline.

Department of Pathology and Laboratory Medicine, Sinai Health System
Classification: Uncertain significance. Review status: no assertion criteria provided. Collection method: clinical testing. Allele origin: unknown. Affected: yes. Study: The Canadian Open Genetics Repository (COGR). Not counted in ClinVar's aggregate classification.
Comment: The POLQ p.P1249T variant was not identified in the literature nor was it identified in COSMIC or ClinVar. The variant was identified in dbSNP (ID: rs140585310) and in control databases in 33 of 280924 chromosomes at a frequency of 0.0001175, and was observed at the highest frequency in the African population in 29 of 24954 chromosomes (freq: 0.001162) (Genome Aggregation Database March 6, 2019, v2.1.1). The p.P1249 residue is not conserved in mammals and computational analyses (MUT Assesor, PolyPhen-2, SIFT, MutationTaster, Revel, FATHMM, MetaLR, DANN) do not suggest a high likelihood of impact to the protein; this information is not predictive enough to rule out pathogenicity. The variant occurs outside of the splicing consensus sequence and in silico or computational prediction software programs (Splice AI exome) do not predict a difference in splicing. In summary, based on the above information the clinical significance of this variant cannot be determined with certainty at this time. This variant is classified as a variant of uncertain significance.

NM_199420.4(POLQ):c.3745C>A (p.Pro1249Thr)

Gene: POLQ (DNA polymerase theta; minus strand). Cytogenetic location: 3q13.33.
Variant type: single nucleotide variant.
Coding change: c.3745C>A on transcript NM_199420.4 (MANE Select); coding-DNA position 3745, C replaced by A.
Protein change: p.Pro1249Thr; replaces proline 1249 with threonine.
Molecular consequence: missense variant.
Genome position (GRCh38, 1-based): chr3:121,489,186, G>T on the plus strand (C>A on the coding strand, the complement: POLQ is on the minus strand). VCF-style: chr3-121489186-G-T. GRCh37 (hg19) VCF-style: chr3-121208033-G-T.
Other names: short protein forms P1249T.
Identifiers: ClinVar variation 1049298 (VCV001049298.5), dbSNP rs140585310, ClinGen allele CA2563012.